The following is an entry in ClinVar:

ClinVar aggregate classification (germline): Uncertain significance (1 of 4 stars; one submission).

Conditions:
KRT1-related disorder. Also called: KRT1-related condition.

Submission:

PreventionGenetics, part of Exact Sciences
Classification: Uncertain significance for KRT1-related condition. Last evaluated: 2025-10-29. Review status: criteria provided, single submitter. Criteria: ACMG Guidelines, 2015. Collection method: clinical testing. Allele origin: germline.
Comment: The KRT1 c.85C>T variant is predicted to result in the amino acid substitution p.Arg29Cys. To our knowledge, this variant has not been reported in the literature. This variant is reported in 0.030% of alleles in individuals of East Asian descent in gnomAD. At this time, the clinical significance of this variant is uncertain due to the absence of conclusive functional and genetic evidence.

NM_006121.4(KRT1):c.85C>T (p.Arg29Cys)

Gene: KRT1 (keratin 1; minus strand). Cytogenetic location: 12q13.13.
Variant type: single nucleotide variant.
Coding change: c.85C>T on transcript NM_006121.4 (MANE Select); coding-DNA position 85, C replaced by T.
Protein change: p.Arg29Cys; replaces arginine 29 with cysteine.
Molecular consequence: missense variant.
Genome position (GRCh38, 1-based): chr12:52,680,264, G>A on the plus strand (C>T on the coding strand, the complement: KRT1 is on the minus strand). VCF-style: chr12-52680264-G-A. GRCh37 (hg19) VCF-style: chr12-53074048-G-A.
Other names: short protein forms R29C.
Identifiers: ClinVar variation 4980165 (VCV004980165.1).